The following is an entry in ClinVar:

ClinVar aggregate classification (germline): Uncertain significance (1 of 4 stars; one submission).

Allele frequency attached by ClinVar (database versions not stated): ExAC 0.00003.
gnomAD v4.1: 53 of 1,603,024 alleles (0.0033%); highest among the groups gnomAD compares: Non-Finnish European, 0.0042%; no homozygotes.

Submission:

Ambry Genetics
Classification: Uncertain significance. Last evaluated: 2026-05-27. Review status: criteria provided, single submitter. Criteria: Ambry Variant Classification Scheme 2023. Collection method: clinical testing. Allele origin: germline.
Comment: The c.560G>A (p.R187Q) alteration is located in exon 4 (coding exon 1) of the DLGAP1 gene. This alteration results from a G to A substitution at nucleotide position 560, causing the arginine (R) at amino acid position 187 to be replaced by a glutamine (Q). Based on data from gnomAD, the A allele has an overall frequency of 0.001% (3/239914) total alleles studied. The highest observed frequency was 0.003% (1/30438) of South Asian alleles. Based on insufficient or conflicting evidence, the clinical significance of this alteration remains unclear.

NM_004746.4(DLGAP1):c.560G>A (p.Arg187Gln)

Genes: DLGAP1 (DLG associated protein 1; minus strand), DLGAP1-AS3 (DLGAP1 antisense RNA 3; plus strand). Cytogenetic location: 18p11.31.
Variant type: single nucleotide variant.
Coding change: c.560G>A on transcript NM_004746.4 (MANE Select); coding-DNA position 560, G replaced by A.
Protein change: p.Arg187Gln; replaces arginine 187 with glutamine.
Molecular consequence: missense variant.
Genome position (GRCh38, 1-based): chr18:3,879,509, C>T on the plus strand (G>A on the coding strand, the complement: DLGAP1 is on the minus strand). VCF-style: chr18-3879509-C-T. GRCh37 (hg19) VCF-style: chr18-3879509-C-T.
Other names: c.560G>A, p.Arg187Gln (NM_001242761.2, NM_001398525.1, NM_001398526.1 and 2 more transcripts); short protein forms R187Q.
Identifiers: ClinVar variation 3082827 (VCV003082827.2), dbSNP rs767909387, ClinGen allele CA8876710.
Genomic context (GRCh38, chr18:3,879,509, plus strand): 5'-TTGTCGTCCGAGCTCCACCAGCCCGGGGAGGTGCTGGGCCGGGCCTTGGGCTCCGCGCGC[C>T]GCTCCTTGCTCTTGCTGCGTTTGCCATAGCGCGCCGCCTGCGCCTCGTCAGGGCTGGCCT-3'
Protein context (NP_004737.2, residues 177-197): RYGKRSKSKE[Arg187Gln]RAEPKARPST